The following is an entry in ClinVar:

NM_181703.4(GJA5):c.816G>T (p.Glu272Asp)

Genes: GJA5 (gap junction protein alpha 5; minus strand), LOC122128420 (Sharpr-MPRA regulatory region 3144; plus strand). Cytogenetic location: 1q21.2.
Variant type: single nucleotide variant.
Coding change: c.816G>T on transcript NM_181703.4 (MANE Select); coding-DNA position 816, G replaced by T.
Protein change: p.Glu272Asp; replaces glutamic acid 272 with aspartic acid.
Molecular consequence: missense variant.
Genome position (GRCh38, 1-based): chr1:147,758,423, C>A on the plus strand (G>T on the coding strand, the complement: GJA5 is on the minus strand). VCF-style: chr1-147758423-C-A. GRCh37 (hg19) VCF-style: chr1-147230531-C-A.
Other names: c.816G>T, p.Glu272Asp (NM_005266.7); short protein forms E272D.
Identifiers: ClinVar variation 2937476 (VCV002937476.3), dbSNP rs782337783, ClinGen allele CA342394494.

ClinVar aggregate classification (germline): Uncertain significance (1 of 4 stars; one submission).

Conditions:
Atrial standstill 1 (ATRST1). Also called: Atrial standstill, digenic (GJA5/SCN5A); ATRIAL CARDIOMYOPATHY WITH HEART BLOCK; CARDIOMYOPATHY, FAMILIAL, WITH CONDUCTION DISTURBANCE. Identifiers: Orphanet 1344, MedGen C4551959, MONDO:0007171, OMIM 108770.
Atrial fibrillation, familial, 11 (ATFB11). Identifiers: MedGen C3279693, MONDO:0013544, OMIM 614049.

Submission:

Labcorp Genetics (formerly Invitae), Labcorp
Classification: Uncertain significance for Atrial fibrillation, familial, 11; Atrial standstill 1. Last evaluated: 2023-08-11. Review status: criteria provided, single submitter. Criteria: Invitae Variant Classification Sherloc (09022015). Collection method: clinical testing. Allele origin: germline.
Comment: In summary, the available evidence is currently insufficient to determine the role of this variant in disease. Therefore, it has been classified as a Variant of Uncertain Significance. Advanced modeling of protein sequence and biophysical properties (such as structural, functional, and spatial information, amino acid conservation, physicochemical variation, residue mobility, and thermodynamic stability) performed at Invitae indicates that this missense variant is not expected to disrupt GJA5 protein function. This variant has not been reported in the literature in individuals affected with GJA5-related conditions. This variant is not present in population databases (gnomAD no frequency). This sequence change replaces glutamic acid, which is acidic and polar, with aspartic acid, which is acidic and polar, at codon 272 of the GJA5 protein (p.Glu272Asp).